The following is an entry in ClinVar:

ClinVar aggregate classification (germline): Likely pathogenic (1 of 4 stars; one submission).

Conditions:
Pendred syndrome (PDS). Also called: Pendred Syndrome (PDS); DEAFNESS WITH GOITER; THYROID DYSHORMONOGENESIS 2B; THYROID HORMONOGENESIS, GENETIC DEFECT IN, 2B; HYPOTHYROIDISM, CONGENITAL, DUE TO DYSHORMONOGENESIS, 2B; GOITER-DEAFNESS SYNDROME. Identifiers: Orphanet 705, MedGen C0271829, MONDO:0010134, OMIM 274600.

gnomAD v4.1: 1 of 1,593,748 alleles (0.000063%); highest among the groups gnomAD compares: Non-Finnish European, 0.000086%; no homozygotes.

Submission:

Myriad Genetics, Inc.
Classification: Likely pathogenic for Pendred syndrome. Last evaluated: 2025-11-03. Review status: criteria provided, single submitter. Criteria: Myriad Autosomal Dominant, Autosomal Recessive and X-Linked Classification Criteria (2023). Collection method: clinical testing. Allele origin: unknown.
Comment: NM_000441.1(SLC26A4):c.1666T>C(Y556H) is a missense variant classified as likely pathogenic in the context of Pendred syndrome. Y556H has been observed in a case with relevant disease (PMID: 12112665). Relevant functional assessments of this variant are not available in the literature. Internal structural analysis of the variant is supportive of pathogenicity. Y556H has not been observed in referenced population frequency databases. In summary, NM_000441.1(SLC26A4):c.1666T>C(Y556H) is a missense variant that has internal structural support for pathogenicity and has been observed more frequently in cases with the relevant disease than in healthy populations. Please note: this variant was assessed in the context of healthy population screening.

Literature cited by the submitters: PubMed 12112665.

NM_000441.2(SLC26A4):c.1666T>C (p.Tyr556His)

Gene: SLC26A4 (solute carrier family 26 member 4; plus strand). Cytogenetic location: 7q22.3.
Variant type: single nucleotide variant.
Coding change: c.1666T>C on transcript NM_000441.2 (MANE Select); coding-DNA position 1666, T replaced by C.
Protein change: p.Tyr556His; replaces tyrosine 556 with histidine.
Molecular consequence: missense variant.
Genome position (GRCh38, 1-based): chr7:107,700,134, T>C. VCF-style: chr7-107700134-T-C. GRCh37 (hg19) VCF-style: chr7-107340579-T-C.
Other names: short protein forms Y556H.
Identifiers: ClinVar variation 5004939 (VCV005004939.1).